The following is an entry in ClinVar:

ClinVar aggregate classification (germline): Uncertain significance (1 of 4 stars; one submission).

Conditions:
Inborn genetic diseases. Identifiers: MedGen C0950123, MeSH D030342.

Submission:

Ambry Genetics
Classification: Uncertain significance for Inborn genetic diseases. Last evaluated: 2024-11-25. Review status: criteria provided, single submitter. Criteria: Ambry Variant Classification Scheme 2023. Collection method: clinical testing. Allele origin: germline.
Comment: The p.V7L variant (also known as c.19G>T), located in coding exon 1 of the RECQL4 gene, results from a G to T substitution at nucleotide position 19. The valine at codon 7 is replaced by leucine, an amino acid with highly similar properties. This amino acid position is conserved. In addition, this alteration is predicted to be tolerated by in silico analysis. Based on the available evidence, the clinical significance of this variant remains unclear.

NM_004260.4(RECQL4):c.19G>T (p.Val7Leu)

Genes: RECQL4 (RecQ like helicase 4; minus strand), LOC130001411 (ATAC-STARR-seq lymphoblastoid silent region 19699; plus strand). Cytogenetic location: 8q24.3.
Variant type: single nucleotide variant.
Coding change: c.19G>T on transcript NM_004260.4 (MANE Select); coding-DNA position 19, G replaced by T.
Protein change: p.Val7Leu; replaces valine 7 with leucine.
Molecular consequence: missense variant. On other transcripts: 5 prime UTR variant (17), non-coding transcript variant (3).
Genome position (GRCh38, 1-based): chr8:144,517,766, C>A on the plus strand (G>T on the coding strand, the complement: RECQL4 is on the minus strand). VCF-style: chr8-144517766-C-A. GRCh37 (hg19) VCF-style: chr8-145743150-C-A.
Other names: c.19G>T, p.Val7Leu (NM_001413017.1, NM_001413018.1, NM_001413019.1 and 6 more transcripts); c.-767G>T (NM_001413021.1); c.-1118G>T (NM_001413022.1, NM_001413023.1, NM_001413037.1 and 2 more transcripts); c.-1015G>T (NM_001413024.1); c.-1115G>T (NM_001413027.1); c.-843G>T (NM_001413028.1); c.-1180G>T (NM_001413030.1, NM_001413031.1, NM_001413041.1); c.-1012G>T (NM_001413032.1); and 4 more; short protein forms V7L.
Identifiers: ClinVar variation 3431876 (VCV003431876.1).